The following is an entry in ClinVar:

NM_001267550.2(TTN):c.32070C>T (p.Val10690=)

Gene: TTN (titin; minus strand). Cytogenetic location: 2q31.2.
Variant type: single nucleotide variant.
Coding change: c.32070C>T on transcript NM_001267550.2 (MANE Select); coding-DNA position 32070, C replaced by T.
Protein change: p.Val10690=; no amino-acid change (valine 10690 retained).
Molecular consequence: synonymous variant. On other transcripts: intron variant (3).
Genome position (GRCh38, 1-based): chr2:178,689,078, G>A on the plus strand (C>T on the coding strand, the complement: TTN is on the minus strand). VCF-style: chr2-178689078-G-A. GRCh37 (hg19) VCF-style: chr2-179553805-G-A.
Other names: c.31119C>T, p.Val10373= (NM_001256850.1); c.28338C>T, p.Val9446= (NM_133378.4); c.13283-46761C>T (NM_003319.4); c.13859-46761C>T (NM_133437.4); c.13658-46761C>T (NM_133432.3).
Identifiers: ClinVar variation 703228 (VCV000703228.18), dbSNP rs757316831, ClinGen allele CA1998755.

ClinVar aggregate classification (germline): Likely benign. Review status: criteria provided, multiple submitters, no conflicts (2 of 4 stars). 6 submissions from 6 submitters: Likely benign (2). 4 of the submissions do not count toward it. Last evaluated 2025-09-27.

Conditions:
Autosomal recessive limb-girdle muscular dystrophy type 2J (LGMDR10). Also called: MUSCULAR DYSTROPHY, LIMB-GIRDLE, AUTOSOMAL RECESSIVE 10; Limb-girdle muscular dystrophy, type 2J. Identifiers: Orphanet 140922, MedGen C1837342, MONDO:0012127, OMIM 608807.
Dilated cardiomyopathy 1G (CMD1G). Identifiers: Orphanet 154, MedGen C1858763, MONDO:0011400, OMIM 604145.
TTN-related disorder. Also called: TTN-related disorders; TTN-related condition; TTN-related disease.

Allele frequency attached by ClinVar (database versions not stated): ExAC 0.00001; gnomAD exomes 0.00002; gnomAD 0.00006 and 0.00007.
gnomAD v4.1: 39 of 1,606,826 alleles (0.0024%); highest among the groups gnomAD compares: Non-Finnish European, 0.0029%; no homozygotes.

Submissions (6):

Labcorp Genetics (formerly Invitae), Labcorp
Classification: Likely benign for Dilated cardiomyopathy 1G; Autosomal recessive limb-girdle muscular dystrophy type 2J. Last evaluated: 2025-09-27. Review status: criteria provided, single submitter. Criteria: Invitae Variant Classification Sherloc (09022015). Collection method: clinical testing. Allele origin: germline.

Blueprint Genetics
Classification: Likely benign. Last evaluated: 2022-12-21. Review status: criteria provided, single submitter. Criteria: ACMG Guidelines, 2015. Collection method: clinical testing. Allele origin: germline.

PreventionGenetics, part of Exact Sciences
Classification: Likely benign for TTN-related condition. Last evaluated: 2019-06-03. Review status: no assertion criteria provided. Collection method: clinical testing. Allele origin: germline. Not counted in ClinVar's aggregate classification.
Comment: This variant is classified as likely benign based on ACMG/AMP sequence variant interpretation guidelines (Richards et al. 2015 PMID: 25741868, with internal and published modifications).

Clinical Genetics, Academic Medical Center
Classification: Benign. Review status: no assertion criteria provided. Collection method: clinical testing. Allele origin: germline. Affected: yes. Study: VKGL Data-share Consensus. Not counted in ClinVar's aggregate classification.

Diagnostic Laboratory, Department of Genetics, University Medical Center Groningen
Classification: Likely benign. Review status: no assertion criteria provided. Collection method: clinical testing. Allele origin: germline. Affected: yes. Study: VKGL Data-share Consensus. Not counted in ClinVar's aggregate classification.

Laboratory of Diagnostic Genome Analysis, Leiden University Medical Center (LUMC)
Classification: Likely benign. Review status: no assertion criteria provided. Collection method: clinical testing. Allele origin: germline. Affected: yes. Study: VKGL Data-share Consensus. Not counted in ClinVar's aggregate classification.